The following is an entry in ClinVar:

NM_003000.3(SDHB):c.400T>C (p.Tyr134His)

Gene: SDHB (succinate dehydrogenase complex iron sulfur subunit B; minus strand). Cytogenetic location: 1p36.13.
Variant type: single nucleotide variant.
Coding change: c.400T>C on transcript NM_003000.3 (MANE Select); coding-DNA position 400, T replaced by C.
Protein change: p.Tyr134His; replaces tyrosine 134 with histidine.
Molecular consequence: missense variant.
Genome position (GRCh38, 1-based): chr1:17,028,623, A>G on the plus strand (T>C on the coding strand, the complement: SDHB is on the minus strand). VCF-style: chr1-17028623-A-G. GRCh37 (hg19) VCF-style: chr1-17355118-A-G.
Other names: short protein forms Y134H.
Identifiers: ClinVar variation 824499 (VCV000824499.25), dbSNP rs771004483, ClinGen allele CA089606.

ClinVar aggregate classification (germline): Uncertain significance. Review status: criteria provided, multiple submitters, no conflicts (2 of 4 stars). 6 submissions from 6 submitters: Uncertain significance (6). Last evaluated 2025-12-15.

Conditions:
Hereditary cancer-predisposing syndrome. Also called: Neoplastic Syndromes, Hereditary; Tumor predisposition; Hereditary Cancer Syndrome; Hereditary neoplastic syndrome. Identifiers: Orphanet 140162, MedGen C0027672, MeSH D009386, MONDO:0015356.
Carney-Stratakis syndrome. Also called: PARAGANGLIOMA AND GASTROINTESTINAL STROMAL TUMOR. Identifiers: Orphanet 97286, MedGen C1847319, MONDO:0011740, OMIM 606864.
Pheochromocytoma/paraganglioma syndrome 4. Also called: CAROTID BODY TUMORS AND MULTIPLE EXTRAADRENAL PHEOCHROMOCYTOMAS; SDHB-Related Hereditary Paraganglioma-Pheochromocytoma Syndrome (Paragangliomas 4); SDHB-Related Hereditary Paraganglioma-Pheochromocytoma Syndrome; PARAGANGLIOMA, FAMILIAL MALIGNANT; PARAGANGLIOMAS, HEREDITARY EXTRAADRENAL; PHEOCHROMOCYTOMA, FAMILIAL EXTRAADRENAL. Identifiers: Orphanet 29072, MedGen C1861848, MONDO:0007273, OMIM 115310.
Gastrointestinal stromal tumor. Also called: Gastrointestinal stromal tumor, somatic; Gastrointestinal stroma tumor. Identifiers: Orphanet 44890, MedGen C0238198, MeSH D046152, MONDO:0011719, OMIM 606764, HP:0100723.
Mitochondrial complex 2 deficiency, nuclear type 4. Also called: MITOCHONDRIAL COMPLEX II DEFICIENCY, NUCLEAR TYPE 4. Identifiers: MedGen C5543176, MONDO:0030974, OMIM 619224.
Hereditary pheochromocytoma and paraganglioma. Also called: Hereditary pheochromocytoma-paraganglioma; Hereditary Paraganglioma-Pheochromocytoma Syndromes; Hereditary paragangliomas and pheochromocytomas. Identifiers: Orphanet 29072, MedGen C4274332, MONDO:0017366.
SDHB-related disorder. Also called: SDHB-related condition; SDHB-related disorders. Identifiers: MedGen CN239418.
Pheochromocytoma. Also called: MAX-Related Hereditary Paraganglioma-Pheochromocytoma Syndrome. Identifiers: Orphanet 29072, MedGen C0031511, MONDO:0008233, OMIM 171300, HP:0002666.

Allele frequency attached by ClinVar (database versions not stated): gnomAD exomes 0.00001 and 0.00002; TOPMed 0.00001; ExAC 0.00002.
gnomAD v4.1: 4 of 1,614,218 alleles (0.00025%); highest among the groups gnomAD compares: Admixed American, 0.0067%; no homozygotes.

Submissions (6):

Labcorp Genetics (formerly Invitae), Labcorp
Classification: Uncertain significance for Gastrointestinal stromal tumor; Pheochromocytoma/paraganglioma syndrome 4; Pheochromocytoma. Last evaluated: 2025-12-15. Review status: criteria provided, single submitter. Criteria: Invitae Variant Classification Sherloc (09022015). Collection method: clinical testing. Allele origin: germline.
Comment: This sequence change replaces tyrosine, which is neutral and polar, with histidine, which is basic and polar, at codon 134 of the SDHB protein (p.Tyr134His). This variant is present in population databases (rs771004483, gnomAD 0.009%). This variant has not been reported in the literature in individuals affected with SDHB-related conditions. ClinVar contains an entry for this variant (Variation ID: 824499). Invitae Evidence Modeling of protein sequence and biophysical properties (such as structural, functional, and spatial information, amino acid conservation, physicochemical variation, residue mobility, and thermodynamic stability) indicates that this missense variant is not expected to disrupt SDHB protein function with a negative predictive value of 80%. RNA analysis performed to evaluate the impact of this missense change on mRNA splicing indicates it does not significantly alter splicing (internal data). In summary, the available evidence is currently insufficient to determine the role of this variant in disease. Therefore, it has been classified as a Variant of Uncertain Significance.

Ambry Genetics
Classification: Uncertain significance for Hereditary cancer-predisposing syndrome. Last evaluated: 2024-12-07. Review status: criteria provided, single submitter. Criteria: Ambry Variant Classification Scheme 2023. Collection method: clinical testing. Allele origin: germline.

Fulgent Genetics
Classification: Uncertain significance for Pheochromocytoma/paraganglioma syndrome 4; Gastrointestinal stromal tumor; Carney-Stratakis syndrome; Mitochondrial complex 2 deficiency, nuclear type 4. Last evaluated: 2024-05-29. Review status: criteria provided, single submitter. Criteria: ACMG Guidelines, 2015. Collection method: clinical testing. Allele origin: germline.

All of Us Research Program, National Institutes of Health
Classification: Uncertain significance for Hereditary pheochromocytoma and paraganglioma. Last evaluated: 2024-05-14. Review status: criteria provided, single submitter. Criteria: ACMG Guidelines, 2015. Collection method: clinical testing. Allele origin: germline. Inheritance: Autosomal dominant inheritance. Observed: 2 variant alleles, 2 heterozygotes.
Comment: This missense variant replaces tyrosine with histidine at codon 134 of the SDHB protein. Computational prediction suggests that this variant may have deleterious impact on protein structure and function (internally defined REVEL score threshold >= 0.7, PMID: 27666373). To our knowledge, functional studies have not been reported for this variant. This variant has not been reported in individuals affected with SDHB-related disorders in the literature. This variant has been identified in 4/251436 chromosomes in the general population by the Genome Aggregation Database (gnomAD). The available evidence is insufficient to determine the role of this variant in disease conclusively. Therefore, this variant is classified as a Variant of Uncertain Significance.

This study involves interpretation of variants in research participants for the purpose of population health screening. Participant phenotype was not available at the time of variant classification. Additional details can be found in publication PMID: 35346344, PMCID: PMC8962531

Baylor Genetics
Classification: Uncertain significance for Gastrointestinal stromal tumor. Last evaluated: 2024-03-11. Review status: criteria provided, single submitter. Criteria: ACMG Guidelines, 2015. Collection method: clinical testing. Allele origin: unknown.

PreventionGenetics, part of Exact Sciences
Classification: Uncertain significance for SDHB-related condition. Last evaluated: 2023-10-11. Review status: criteria provided, single submitter. Criteria: ACMG Guidelines, 2015. Collection method: clinical testing. Allele origin: germline.
Comment: The SDHB c.400T>C variant is predicted to result in the amino acid substitution p.Tyr134His. To our knowledge, this variant has not been reported in the literature. This variant is reported in 0.012% of alleles in individuals of Latino descent in gnomAD. It is interpreted an uncertain significance. At this time, the clinical significance of this variant is uncertain due to the absence of conclusive functional and genetic evidence.